The following is an entry in ClinVar:

ClinVar aggregate classification (germline): Uncertain significance (1 of 4 stars; one submission).

Submission:

GeneDx
Classification: Uncertain significance. Last evaluated: 2024-04-08. Review status: criteria provided, single submitter. Criteria: GeneDx Variant Classification Process June 2021. Collection method: clinical testing. Allele origin: germline. Affected: yes.
Comment: Not observed at significant frequency in large population cohorts (gnomAD); Canonical splice site variant in a gene for which loss-of-function is not an established mechanism of disease; Has not been previously published as pathogenic or benign to our knowledge

NM_020928.2(ZSWIM6):c.1033+2T>A

Gene: ZSWIM6 (zinc finger SWIM-type containing 6; plus strand). Cytogenetic location: 5q12.1.
Variant type: single nucleotide variant.
Coding change: c.1033+2T>A on transcript NM_020928.2 (MANE Select); the canonical splice donor site of the intron after coding-DNA position 1033, T replaced by A.
Molecular consequence: splice donor variant.
Genome position (GRCh38, 1-based): chr5:61,473,039, T>A. VCF-style: chr5-61473039-T-A. GRCh37 (hg19) VCF-style: chr5-60768866-T-A.
Identifiers: ClinVar variation 3372060 (VCV003372060.1).
Genomic context (GRCh38, chr5:61,473,039, plus strand): 5'-TGCTCAAAAATTAGCAGATGAAATTCTTTCCCAAAATTCAGAAATCAACCAAGTTCATGG[T>A]GAGTATAGACATTGACTCTTTAAATTTCCTCTCTGGATCCTTTTTCACTTATAAATTCAA-3'